The following is an entry in ClinVar:

ClinVar aggregate classification (germline): Uncertain significance. Review status: criteria provided, multiple submitters, no conflicts (2 of 4 stars). 5 submissions from 5 submitters: Uncertain significance (4). 1 of the submissions does not count toward it. Last evaluated 2026-01-15.

Conditions:
Inborn genetic diseases. Identifiers: MedGen C0950123, MeSH D030342.
Retinal dystrophy. Also called: Inherited retinal dystrophy. Identifiers: Orphanet 71862, MedGen C0854723, MeSH D058499, MONDO:0019118, HP:0000556.
TTLL5-related disorder. Also called: TTLL5-related condition.

Allele frequency attached by ClinVar (database versions not stated): gnomAD exomes 0.00010 and 0.00021; TOPMed 0.00011; gnomAD 0.00015 and 0.00016; ExAC 0.00006; ESP Exome Variant Server 0.00008.
gnomAD v4.1: 325 of 1,614,080 alleles (0.02%); highest among the groups gnomAD compares: Non-Finnish European, 0.026%; no homozygotes.

Submissions (5):

PreventionGenetics, part of Exact Sciences
Classification: Uncertain significance for TTLL5-related condition. Last evaluated: 2026-01-15. Review status: criteria provided, single submitter. Criteria: ACMG Guidelines, 2015. Collection method: clinical testing. Allele origin: germline.
Comment: The TTLL5 c.1255A>G variant is predicted to result in the amino acid substitution p.Arg419Gly. To our knowledge, this variant has not been reported in the literature. This variant is reported in 0.022% of alleles in individuals of European (Non-Finnish) descent in gnomAD. At this time, the clinical significance of this variant is uncertain due to the absence of conclusive functional and genetic evidence.

Ambry Genetics
Classification: Uncertain significance for Inborn genetic diseases. Last evaluated: 2025-02-22. Review status: criteria provided, single submitter. Criteria: Ambry Variant Classification Scheme 2023. Collection method: clinical testing. Allele origin: germline.

Labcorp Genetics (formerly Invitae), Labcorp
Classification: Uncertain significance. Last evaluated: 2024-11-07. Review status: criteria provided, single submitter. Criteria: Invitae Variant Classification Sherloc (09022015). Collection method: clinical testing. Allele origin: germline.
Comment: This sequence change replaces arginine, which is basic and polar, with glycine, which is neutral and non-polar, at codon 419 of the TTLL5 protein (p.Arg419Gly). This variant is present in population databases (rs143853946, gnomAD 0.02%). This variant has not been reported in the literature in individuals affected with TTLL5-related conditions. ClinVar contains an entry for this variant (Variation ID: 1400459). Invitae Evidence Modeling of protein sequence and biophysical properties (such as structural, functional, and spatial information, amino acid conservation, physicochemical variation, residue mobility, and thermodynamic stability) indicates that this missense variant is not expected to disrupt TTLL5 protein function with a negative predictive value of 80%. In summary, the available evidence is currently insufficient to determine the role of this variant in disease. Therefore, it has been classified as a Variant of Uncertain Significance.

Blueprint Genetics
Classification: Uncertain significance. Last evaluated: 2024-05-31. Review status: criteria provided, single submitter. Criteria: ACMG Guidelines, 2015. Collection method: clinical testing. Allele origin: germline.

Institute of Human Genetics, Univ. Regensburg, Univ. Regensburg
Classification: Uncertain significance for Retinal dystrophy. Last evaluated: 2022-01-01. Review status: no assertion criteria provided. Criteria: ACMG Guidelines, 2015. Collection method: clinical testing. Allele origin: germline. Affected: yes. Not counted in ClinVar's aggregate classification.

NM_015072.5(TTLL5):c.1255A>G (p.Arg419Gly)

Gene: TTLL5 (tubulin tyrosine ligase like 5; plus strand). Cytogenetic location: 14q24.3.
Variant type: single nucleotide variant.
Coding change: c.1255A>G on transcript NM_015072.5 (MANE Select); coding-DNA position 1255, A replaced by G.
Protein change: p.Arg419Gly; replaces arginine 419 with glycine.
Molecular consequence: missense variant.
Genome position (GRCh38, 1-based): chr14:75,735,263, A>G. VCF-style: chr14-75735263-A-G. GRCh37 (hg19) VCF-style: chr14-76201606-A-G.
Other names: c.1255A>G (NM_015072.4); short protein forms R419G.
Identifiers: ClinVar variation 1400459 (VCV001400459.9), dbSNP rs143853946, ClinGen allele CA7279299.